The following is an entry in ClinVar:

ClinVar aggregate classification (germline): Uncertain significance. Review status: criteria provided, multiple submitters, no conflicts (2 of 4 stars). 2 submissions from 2 submitters: Uncertain significance (2). Last evaluated 2026-01-16.

Conditions:
Hereditary cancer-predisposing syndrome. Also called: Tumor predisposition; Neoplastic Syndromes, Hereditary; Hereditary Cancer Syndrome; Hereditary neoplastic syndrome. Identifiers: Orphanet 140162, MedGen C0027672, MeSH D009386, MONDO:0015356.

Allele frequency attached by ClinVar (database versions not stated): TOPMed below 0.00001.

Submissions (2):

Ambry Genetics
Classification: Uncertain significance for Hereditary cancer-predisposing syndrome. Last evaluated: 2026-01-16. Review status: criteria provided, single submitter. Criteria: Ambry Variant Classification Scheme 2023. Collection method: clinical testing. Allele origin: germline.
Comment: The p.S1005C variant (also known as c.3014C>G), located in coding exon 25 of the POLE gene, results from a C to G substitution at nucleotide position 3014. The serine at codon 1005 is replaced by cysteine, an amino acid with dissimilar properties. This amino acid position is well conserved in available vertebrate species. In addition, the in silico prediction for this alteration is inconclusive. Based on the available evidence, the clinical significance of this variant remains unclear.

Labcorp Genetics (formerly Invitae), Labcorp
Classification: Uncertain significance. Last evaluated: 2024-09-12. Review status: criteria provided, single submitter. Criteria: Invitae Variant Classification Sherloc (09022015). Collection method: clinical testing. Allele origin: germline.
Comment: This sequence change replaces serine, which is neutral and polar, with cysteine, which is neutral and slightly polar, at codon 1005 of the POLE protein (p.Ser1005Cys). This variant is not present in population databases (gnomAD no frequency). This variant has not been reported in the literature in individuals affected with POLE-related conditions. Invitae Evidence Modeling of protein sequence and biophysical properties (such as structural, functional, and spatial information, amino acid conservation, physicochemical variation, residue mobility, and thermodynamic stability) indicates that this missense variant is not expected to disrupt POLE protein function with a negative predictive value of 80%. In summary, the available evidence is currently insufficient to determine the role of this variant in disease. Therefore, it has been classified as a Variant of Uncertain Significance.

NM_006231.4(POLE):c.3014C>G (p.Ser1005Cys)

Gene: POLE (DNA polymerase epsilon, catalytic subunit; minus strand). Cytogenetic location: 12q24.33.
Variant type: single nucleotide variant.
Coding change: c.3014C>G on transcript NM_006231.4 (MANE Select); coding-DNA position 3014, C replaced by G.
Protein change: p.Ser1005Cys; replaces serine 1005 with cysteine.
Molecular consequence: missense variant.
Genome position (GRCh38, 1-based): chr12:132,661,015, G>C on the plus strand (C>G on the coding strand, the complement: POLE is on the minus strand). VCF-style: chr12-132661015-G-C. GRCh37 (hg19) VCF-style: chr12-133237601-G-C.
Other names: c.3014C>G (NM_006231.2); short protein forms S1005C.
Identifiers: ClinVar variation 2831222 (VCV002831222.4), dbSNP rs550579850, ClinGen allele CA387392280.